The following is an entry in ClinVar:

NM_006939.4(SOS2):c.1567A>G (p.Ile523Val)

Gene: SOS2 (SOS Ras/Rho guanine nucleotide exchange factor 2; minus strand). Cytogenetic location: 14q21.3.
Variant type: single nucleotide variant.
Coding change: c.1567A>G on transcript NM_006939.4 (MANE Select); coding-DNA position 1567, A replaced by G.
Protein change: p.Ile523Val; replaces isoleucine 523 with valine.
Molecular consequence: missense variant.
Genome position (GRCh38, 1-based): chr14:50,159,716, T>C on the plus strand (A>G on the coding strand, the complement: SOS2 is on the minus strand). VCF-style: chr14-50159716-T-C. GRCh37 (hg19) VCF-style: chr14-50626434-T-C.
Other names: c.1567A>G (NM_006939.2); short protein forms I523V.
Identifiers: ClinVar variation 1062417 (VCV001062417.11), dbSNP rs1884934797, ClinGen allele CA389645473.

ClinVar aggregate classification (germline): Conflicting classifications of pathogenicity. Review status: criteria provided, conflicting classifications (1 of 4 stars). 2 submissions from 2 submitters: Uncertain significance (1); Likely benign (1). Last evaluated 2025-04-12.

Conditions:
Cardiovascular phenotype. Identifiers: MedGen CN230736.
Noonan syndrome 9 (NS9). Identifiers: Orphanet 648, MedGen C4225282, MONDO:0014691, OMIM 616559.

gnomAD v4.1: 2 of 1,614,032 alleles (0.00012%); highest among the groups gnomAD compares: Non-Finnish European, 0.00017%; no homozygotes.

Submissions (2):

Ambry Genetics
Classification: Likely benign for Cardiovascular phenotype. Last evaluated: 2025-04-12. Review status: criteria provided, single submitter. Criteria: Ambry Variant Classification Scheme 2023. Collection method: clinical testing. Allele origin: germline.

Labcorp Genetics (formerly Invitae), Labcorp
Classification: Uncertain significance for Noonan syndrome 9. Last evaluated: 2025-01-08. Review status: criteria provided, single submitter. Criteria: Invitae Variant Classification Sherloc (09022015). Collection method: clinical testing. Allele origin: germline.
Comment: This sequence change replaces isoleucine, which is neutral and non-polar, with valine, which is neutral and non-polar, at codon 523 of the SOS2 protein (p.Ile523Val). This variant is not present in population databases (gnomAD no frequency). This variant has not been reported in the literature in individuals affected with SOS2-related conditions. ClinVar contains an entry for this variant (Variation ID: 1062417). Invitae Evidence Modeling of protein sequence and biophysical properties (such as structural, functional, and spatial information, amino acid conservation, physicochemical variation, residue mobility, and thermodynamic stability) indicates that this missense variant is not expected to disrupt SOS2 protein function with a negative predictive value of 95%. In summary, the available evidence is currently insufficient to determine the role of this variant in disease. Therefore, it has been classified as a Variant of Uncertain Significance.